The following is an entry in ClinVar:

NM_033380.3(COL4A5):c.1502T>G (p.Leu501Arg)

Gene: COL4A5 (collagen type IV alpha 5 chain; plus strand). Cytogenetic location: Xq22.3.
Variant type: single nucleotide variant.
Coding change: c.1502T>G on transcript NM_033380.3 (MANE Select); coding-DNA position 1502, T replaced by G.
Protein change: p.Leu501Arg; replaces leucine 501 with arginine.
Molecular consequence: missense variant.
Genome position (GRCh38, 1-based): chrX:108,595,587, T>G. VCF-style: chrX-108595587-T-G. GRCh37 (hg19) VCF-style: chrX-107838817-T-G.
Other names: c.1502T>G, p.Leu501Arg (NM_000495.5); short protein forms L501R.
Identifiers: ClinVar variation 2113792 (VCV002113792.1), dbSNP rs2524299489, ClinGen allele CA413936076.

ClinVar aggregate classification (germline): Uncertain significance (1 of 4 stars; one submission).

Submission:

Labcorp Genetics (formerly Invitae), Labcorp
Classification: Uncertain significance. Last evaluated: 2022-03-18. Review status: criteria provided, single submitter. Criteria: Invitae Variant Classification Sherloc (09022015). Collection method: clinical testing. Allele origin: germline.
Comment: This sequence change replaces leucine, which is neutral and non-polar, with arginine, which is basic and polar, at codon 501 of the COL4A5 protein (p.Leu501Arg). This variant is not present in population databases (gnomAD no frequency). This variant has not been reported in the literature in individuals affected with COL4A5-related conditions. Advanced modeling of protein sequence and biophysical properties (such as structural, functional, and spatial information, amino acid conservation, physicochemical variation, residue mobility, and thermodynamic stability) performed at Invitae indicates that this missense variant is not expected to disrupt COL4A5 protein function. In summary, the available evidence is currently insufficient to determine the role of this variant in disease. Therefore, it has been classified as a Variant of Uncertain Significance.